The following is an entry in ClinVar:

ClinVar aggregate classification (germline): Uncertain significance (1 of 4 stars; one submission).

Conditions:
Intellectual developmental disorder, autosomal dominant 1. Also called: Intellectual disability, autosomal dominant 1; MBD5 Haploinsufficiency. Identifiers: Orphanet 228402, MedGen C1969562, MONDO:0007974, OMIM 156200.

Submission:

Labcorp Genetics (formerly Invitae), Labcorp
Classification: Uncertain significance for Intellectual developmental disorder, autosomal dominant 1. Last evaluated: 2022-04-09. Review status: criteria provided, single submitter. Criteria: Invitae Variant Classification Sherloc (09022015). Collection method: clinical testing. Allele origin: germline.
Comment: This variant is not present in population databases (gnomAD no frequency). In summary, the available evidence is currently insufficient to determine the role of this variant in disease. Therefore, it has been classified as a Variant of Uncertain Significance. Algorithms developed to predict the effect of missense changes on protein structure and function (SIFT, PolyPhen-2, Align-GVGD) all suggest that this variant is likely to be disruptive. This variant has not been reported in the literature in individuals affected with MBD5-related conditions. This sequence change replaces lysine, which is basic and polar, with glutamic acid, which is acidic and polar, at codon 348 of the MBD5 protein (p.Lys348Glu).

NM_001378120.1(MBD5):c.1042A>G (p.Lys348Glu)

Gene: MBD5 (methyl-CpG binding domain protein 5; plus strand). Cytogenetic location: 2q23.1.
Variant type: single nucleotide variant.
Coding change: c.1042A>G on transcript NM_001378120.1 (MANE Select); coding-DNA position 1042, A replaced by G.
Protein change: p.Lys348Glu; replaces lysine 348 with glutamic acid.
Molecular consequence: missense variant.
Genome position (GRCh38, 1-based): chr2:148,468,985, A>G. VCF-style: chr2-148468985-A-G. GRCh37 (hg19) VCF-style: chr2-149226554-A-G.
Other names: c.1042A>G, p.Lys348Glu (NM_018328.5); short protein forms K348E.
Identifiers: ClinVar variation 2123889 (VCV002123889.4), dbSNP rs2469860499, ClinGen allele CA348718247.